The following is an entry in ClinVar:

ClinVar aggregate classification (germline): Uncertain significance (1 of 4 stars; one submission).

Conditions:
Progressive sclerosing poliodystrophy (MTDPS4A). Also called: Alpers-Huttenlocher Syndrome; Mitochondrial DNA Depletion Syndrome 4A; ALPERS PROGRESSIVE INFANTILE POLIODYSTROPHY; NEURONAL DEGENERATION OF CHILDHOOD WITH LIVER DISEASE, PROGRESSIVE; Alpers-Huttenlocher Syndrome (AHS); Alpers Syndrome. Identifiers: Orphanet 726, MedGen C0205710, MONDO:0008758, OMIM 203700.

Allele frequency attached by ClinVar (database versions not stated): gnomAD exomes below 0.00001; ExAC 0.00001; gnomAD 0.00001.
gnomAD v4.1: 4 of 1,613,488 alleles (0.00025%); highest among the groups gnomAD compares: East Asian, 0.0067%; no homozygotes.

Submission:

Labcorp Genetics (formerly Invitae), Labcorp
Classification: Uncertain significance for Progressive sclerosing poliodystrophy. Last evaluated: 2024-11-14. Review status: criteria provided, single submitter. Criteria: Invitae Variant Classification Sherloc (09022015). Collection method: clinical testing. Allele origin: germline.
Comment: This sequence change replaces glycine, which is neutral and non-polar, with serine, which is neutral and polar, at codon 318 of the POLG protein (p.Gly318Ser). This variant is present in population databases (rs752657467, gnomAD 0.006%). This variant has not been reported in the literature in individuals affected with POLG-related conditions. ClinVar contains an entry for this variant (Variation ID: 1926276). Invitae Evidence Modeling of protein sequence and biophysical properties (such as structural, functional, and spatial information, amino acid conservation, physicochemical variation, residue mobility, and thermodynamic stability) has been performed for this missense variant. However, the output from this modeling did not meet the statistical confidence thresholds required to predict the impact of this variant on POLG protein function. In summary, the available evidence is currently insufficient to determine the role of this variant in disease. Therefore, it has been classified as a Variant of Uncertain Significance.

NM_002693.3(POLG):c.952G>A (p.Gly318Ser)

Gene: POLG (DNA polymerase gamma, catalytic subunit; minus strand). Cytogenetic location: 15q26.1.
Variant type: single nucleotide variant.
Coding change: c.952G>A on transcript NM_002693.3 (MANE Select); coding-DNA position 952, G replaced by A.
Protein change: p.Gly318Ser; replaces glycine 318 with serine.
Molecular consequence: missense variant.
Genome position (GRCh38, 1-based): chr15:89,329,014, C>T on the plus strand (G>A on the coding strand, the complement: POLG is on the minus strand). VCF-style: chr15-89329014-C-T. GRCh37 (hg19) VCF-style: chr15-89872245-C-T.
Other names: c.952G>A, p.Gly318Ser (NM_001126131.2); short protein forms G318S.
Identifiers: ClinVar variation 1926276 (VCV001926276.4), dbSNP rs752657467, ClinGen allele CA7724994.